The following is an entry in ClinVar:

ClinVar aggregate classification (germline): Conflicting classifications of pathogenicity. Review status: criteria provided, conflicting classifications (1 of 4 stars). 4 submissions from 4 submitters: Likely pathogenic (1); Uncertain significance (3). Last evaluated 2024-12-19.

Conditions:
Autosomal dominant hypocalcemia 1 (HYPOC1). Also called: HYPOCALCEMIA, FAMILIAL. Identifiers: MedGen C3715128, MONDO:0011013, OMIM 601198.
Familial hypocalciuric hypercalcemia (FHH). Also called: Familial benign hypercalcemia. Identifiers: Orphanet 405, MedGen C1809471, MONDO:0018458.
Nephrolithiasis/nephrocalcinosis. Identifiers: MedGen CN580796.
Familial hypocalciuric hypercalcemia 1. Also called: Hypercalcemia, familial benign type 1. Identifiers: Orphanet 405, Orphanet 93372, MedGen C0342637, MONDO:0007791, OMIM 145980.

Allele frequency attached by ClinVar (database versions not stated): gnomAD exomes below 0.00001; ExAC 0.00001; TOPMed 0.00001; ESP Exome Variant Server 0.00008.

Submissions (4):

Genomic Medicine Center of Excellence, King Faisal Specialist Hospital and Research Centre
Classification: Likely pathogenic for Familial hypocalciuric hypercalcemia 1. Last evaluated: 2024-12-19. Review status: criteria provided, single submitter. Criteria: ACMG Guidelines, 2015. Collection method: clinical testing. Allele origin: germline.

Labcorp Genetics (formerly Invitae), Labcorp
Classification: Uncertain significance for Familial hypocalciuric hypercalcemia; Autosomal dominant hypocalcemia 1. Last evaluated: 2024-10-17. Review status: criteria provided, single submitter. Criteria: Invitae Variant Classification Sherloc (09022015). Collection method: clinical testing. Allele origin: germline.
Comment: This sequence change replaces alanine, which is neutral and non-polar, with glutamic acid, which is acidic and polar, at codon 850 of the CASR protein (p.Ala850Glu). This variant is present in population databases (rs373819680, gnomAD 0.007%). This variant has not been reported in the literature in individuals affected with CASR-related conditions. ClinVar contains an entry for this variant (Variation ID: 446995). An algorithm developed to predict the effect of missense changes on protein structure and function (PolyPhen-2) suggests that this variant is likely to be disruptive. In summary, the available evidence is currently insufficient to determine the role of this variant in disease. Therefore, it has been classified as a Variant of Uncertain Significance.

Ambry Genetics
Classification: Uncertain significance for Nephrolithiasis/nephrocalcinosis. Last evaluated: 2023-02-18. Review status: criteria provided, single submitter. Criteria: Ambry Variant Classification Scheme 2023. Collection method: clinical testing. Allele origin: germline.
Comment: The p.A850E variant (also known as c.2549C>A), located in coding exon 6 of the CASR gene, results from a C to A substitution at nucleotide position 2549. The alanine at codon 850 is replaced by glutamic acid, an amino acid with dissimilar properties. This amino acid position is conserved. In addition, this alteration is predicted to be deleterious by in silico analysis. Since supporting evidence is limited at this time, the clinical significance of this alteration remains unclear.

Athena Diagnostics
Classification: Uncertain significance. Last evaluated: 2016-10-18. Review status: criteria provided, single submitter. Criteria: Athena Diagnostics Criteria. Collection method: clinical testing. Allele origin: germline.

NM_000388.4(CASR):c.2549C>A (p.Ala850Glu)

Gene: CASR (calcium sensing receptor; plus strand). Cytogenetic location: 3q21.1.
Variant type: single nucleotide variant.
Coding change: c.2549C>A on transcript NM_000388.4 (MANE Select); coding-DNA position 2549, C replaced by A.
Protein change: p.Ala850Glu; replaces alanine 850 with glutamic acid.
Molecular consequence: missense variant.
Genome position (GRCh38, 1-based): chr3:122,284,503, C>A. VCF-style: chr3-122284503-C-A. GRCh37 (hg19) VCF-style: chr3-122003350-C-A.
Other names: c.2549C>A (NM_000388.3); c.2579C>A, p.Ala860Glu (NM_001178065.2); short protein forms A850E, A860E.
Identifiers: ClinVar variation 446995 (VCV000446995.8), dbSNP rs373819680, ClinGen allele CA2569831.
Genomic context (GRCh38, chr3:122,284,503, plus strand): 5'-GCAAGTTTGTCTCTGCCGTAGAGGTGATTGCCATCCTGGCAGCCAGCTTTGGCTTGCTGG[C>A]GTGCATCTTCTTCAACAAGATCTACATCATTCTCTTCAAGCCATCCCGCAACACCATCGA-3'
Protein context (NP_000379.3, residues 840-860): AILAASFGLL[Ala850Glu]CIFFNKIYII